The following is an entry in ClinVar:

NM_001165963.4(SCN1A):c.1170+1G>T

Gene: SCN1A (sodium voltage-gated channel alpha subunit 1; minus strand). Cytogenetic location: 2q24.3.
Variant type: single nucleotide variant.
Coding change: c.1170+1G>T on transcript NM_001165963.4 (MANE Select); the canonical splice donor site of the intron after coding-DNA position 1170, G replaced by T.
Molecular consequence: splice donor variant.
Genome position (GRCh38, 1-based): chr2:166,047,626, C>A on the plus strand (G>T on the coding strand, the complement: SCN1A is on the minus strand). VCF-style: chr2-166047626-C-A. GRCh37 (hg19) VCF-style: chr2-166904136-C-A.
Other names: c.1170+1G>T (NM_001353949.2, NM_001353958.2, NM_001353950.2 and 10 more transcripts); c.-1256+1G>T (NM_001353961.2).
Identifiers: ClinVar variation 189928 (VCV000189928.2), dbSNP rs794726765, ClinGen allele CA303332.
Genomic context (GRCh38, chr2:166,047,626, plus strand): 5'-ACTCAATTGGTTTTCTTGTATACTTTTACTTAAATGGAGAGTGTGGCTCTTTAGTTCTCA[C>A]CAGTTGATAAAGATTTTCCCAGAAGTCCTGAGTCATTAGTCGAAACAAGGACAAAAAAGC-3'

ClinVar aggregate classification (germline): Pathogenic. Review status: criteria provided, multiple submitters, no conflicts (2 of 4 stars). 2 submissions from 2 submitters: Pathogenic (2). Last evaluated 2017-08-17.

Conditions:
Severe myoclonic epilepsy in infancy (DRVT). Also called: Epileptic encephalopathy, early infantile, 6 (Dravet syndrome); SEVERE MYOCLONIC EPILEPSY OF INFANCY; DEVELOPMENTAL AND EPILEPTIC ENCEPHALOPATHY 6A; Severe Myoclonic Epilepsy in Infancy (SMEI); Dravet syndrome. Identifiers: Orphanet 33069, MedGen C0751122, MONDO:0100135, OMIM 607208.

Submissions (2):

GeneDx
Classification: Pathogenic. Last evaluated: 2017-08-17. Review status: criteria provided, single submitter. Criteria: GeneDx Variant Classification (06012015). Collection method: clinical testing. Allele origin: germline. Affected: yes.
Comment: The 1170+1 G>T splice site variant has been previously reported as a de novo change in an individual with Dravet syndrome (Petrelli et al., 2012). The c.1170+1 G>T variant has also been reported in another individual with Dravet sydrome; it was found to be inherited from an unaffected mother who was mosaic for the c.1170+1 G>T variant (Xu et al., 2015). This pathogenic variant destroys the canonical splice donor site in intron 8 and is expected to cause abnormal gene splicing. The c.1170+1 G>T variant is not observed in large population cohorts (Lek et al., 2016; 1000 Genomes Consortium et al., 2015; Exome Variant Server).

Center for Bioinformatics, Peking University
Classification: Pathogenic for Dravet syndrome. Last evaluated: 2014-12-20. Review status: criteria provided, single submitter. Criteria: Xu et al. (Hum Mutat. 2015). Collection method: research. Allele origin: de novo. Affected: yes. Observed: 1 variant allele. Study: University Clinical Cooperation “985 Project” PKU-2014-1-1.
Comment: Dravet syndrome (DS) probands were recruited from the outpatient and inpatient child neurology units of Peking University First Hospital from 2005 till present. The study was approved by the Ethics Committee of Peking University First Hospital and the Institutional Review Board at Peking University. Participants or their parents provided written informed consent before enrollment. We collected a total of 267 mutations from 255 families with probands diagnosed with DS in China. All probands fulfilled the clinical diagnostic criteria.